The following is an entry in ClinVar:

ClinVar aggregate classification (germline): Benign/Likely benign. Review status: criteria provided, multiple submitters, no conflicts (2 of 4 stars). 9 submissions from 9 submitters: Benign (8); Likely benign (1). Last evaluated 2026-02-02.

Conditions:
Autoinflammatory syndrome. Identifiers: Orphanet 93665, MedGen C3890737, MONDO:0019751.
Familial cold autoinflammatory syndrome 2 (FCAS2). Identifiers: Orphanet 247868, MedGen C2673198, MONDO:0012724, OMIM 611762.

Allele frequency attached by ClinVar (database versions not stated): gnomAD exomes 0.00669; ExAC 0.00748; gnomAD 0.02008 and 0.02160; 1000 Genomes Project 30x 0.02030; 1000 Genomes Project 0.02037; TOPMed 0.02356; ESP Exome Variant Server 0.02422.
gnomAD v4.1: 7,365 of 1,613,762 alleles (0.46%); highest among the groups gnomAD compares: African/African-American, 6.4%; 175 homozygotes.

Submissions (9):

Labcorp Genetics (formerly Invitae), Labcorp
Classification: Benign for Familial cold autoinflammatory syndrome 2. Last evaluated: 2026-02-02. Review status: criteria provided, single submitter. Criteria: Invitae Variant Classification Sherloc (09022015). Collection method: clinical testing. Allele origin: germline.

Women's Health and Genetics/Laboratory Corporation of America, LabCorp
Classification: Benign. Last evaluated: 2026-01-22. Review status: criteria provided, single submitter. Criteria: LabCorp Variant Classification Summary - May 2015. Collection method: clinical testing. Allele origin: germline.

Blueprint Genetics
Classification: Likely benign. Last evaluated: 2024-11-27. Review status: criteria provided, single submitter. Criteria: ACMG Guidelines, 2015. Collection method: clinical testing. Allele origin: germline.

ARUP Laboratories, Molecular Genetics and Genomics, ARUP Laboratories
Classification: Benign for Familial cold autoinflammatory syndrome 2. Last evaluated: 2024-08-08. Review status: criteria provided, single submitter. Criteria: ARUP Molecular Germline Variant Investigation Process 2024. Collection method: clinical testing. Allele origin: germline.

Genome Diagnostics Laboratory, The Hospital for Sick Children
Classification: Benign for Autoinflammatory syndrome. Last evaluated: 2022-02-17. Review status: criteria provided, single submitter. Criteria: ACMG Guidelines, 2015. Collection method: clinical testing. Allele origin: germline. Affected: yes.

GeneDx
Classification: Benign. Last evaluated: 2021-05-06. Review status: criteria provided, single submitter. Criteria: GeneDx Variant Classification Process June 2021. Collection method: clinical testing. Allele origin: germline. Affected: yes.

Mayo Clinic Laboratories, Mayo Clinic
Classification: Benign. Last evaluated: 2018-10-23. Review status: criteria provided, single submitter. Criteria: ACMG Guidelines, 2015. Collection method: clinical testing. Allele origin: germline. Observed: 11 variant alleles.

Illumina Laboratory Services, Illumina
Classification: Benign for Familial cold autoinflammatory syndrome 2. Last evaluated: 2018-01-13. Review status: criteria provided, single submitter. Criteria: ICSL Variant Classification Criteria 13 December 2019. Collection method: clinical testing. Allele origin: germline.
Comment: This variant was observed in the ICSL laboratory as part of a predisposition screen in an ostensibly healthy population. It had not been previously curated by ICSL or reported in the Human Gene Mutation Database (HGMD: prior to June 1st, 2018), and was therefore a candidate for classification through an automated scoring system. Utilizing variant allele frequency, disease prevalence and penetrance estimates, and inheritance mode, an automated score was calculated to assess if this variant is too frequent to cause the disease. Based on the score and internal cut-off values, a variant classified as benign is not then subjected to further curation. The score for this variant resulted in a classification of benign for this disease.

Breakthrough Genomics
Classification: Benign. Review status: criteria provided, single submitter. Criteria: ACMG Guidelines, 2015. Collection method: not provided. Allele origin: germline. Inheritance: Autosomal dominant inheritance. Affected: yes.

NM_144687.4(NLRP12):c.1347C>G (p.Ala449=)

Gene: NLRP12 (NLR family pyrin domain containing 12; minus strand). Cytogenetic location: 19q13.42.
Variant type: single nucleotide variant.
Coding change: c.1347C>G on transcript NM_144687.4 (MANE Select); coding-DNA position 1347, C replaced by G.
Protein change: p.Ala449=; no amino-acid change (alanine 449 retained).
Molecular consequence: synonymous variant.
Genome position (GRCh38, 1-based): chr19:53,810,312, G>C on the plus strand (C>G on the coding strand, the complement: NLRP12 is on the minus strand). VCF-style: chr19-53810312-G-C. GRCh37 (hg19) VCF-style: chr19-54313566-G-C.
Other names: p.Ala449=; c.1347C>G, p.Ala449= (NM_001277126.2, NM_001277129.1); c.1347C>G (NM_144687.2).
Identifiers: ClinVar variation 330032 (VCV000330032.35), dbSNP rs111234757, ClinGen allele CA9639447.